The following is an entry in ClinVar:

ClinVar aggregate classification (germline): Likely benign. Review status: criteria provided, multiple submitters, no conflicts (2 of 4 stars). 2 submissions from 2 submitters: Likely benign (2). Last evaluated 2020-10-29.

Allele frequency attached by ClinVar (database versions not stated): gnomAD exomes below 0.00001 and 0.00001; TOPMed below 0.00001; ExAC 0.00001.

Submissions (2):

GeneDx
Classification: Likely benign. Last evaluated: 2020-10-29. Review status: criteria provided, single submitter. Criteria: GeneDx Variant Classification Process June 2021. Collection method: clinical testing. Allele origin: germline. Affected: yes.

Laboratory for Molecular Medicine, Mass General Brigham Personalized Medicine
Classification: Likely benign. Last evaluated: 2014-08-13. Review status: criteria provided, single submitter. Criteria: LMM Criteria. Collection method: clinical testing. Allele origin: germline. Observed: 1 variant allele.
Comment: Asp64Asp in exon 2 of POU4F3: This variant is not expected to have clinical sign ificance because it does not alter an amino acid residue and is not located with in the splice consensus sequence.

NM_002700.3(POU4F3):c.192T>C (p.Asp64=)

Genes: POU4F3 (POU class 4 homeobox 3; plus strand), RBM27-POU4F3 (RBM27-POU4F3 readthrough; plus strand). Cytogenetic location: 5q32.
Variant type: single nucleotide variant.
Coding change: c.192T>C on transcript NM_002700.3 (MANE Select); coding-DNA position 192, T replaced by C.
Protein change: p.Asp64=; no amino-acid change (aspartic acid 64 retained).
Molecular consequence: synonymous variant.
Genome position (GRCh38, 1-based): chr5:146,339,619, T>C. VCF-style: chr5-146339619-T-C. GRCh37 (hg19) VCF-style: chr5-145719182-T-C.
Identifiers: ClinVar variation 179962 (VCV000179962.7), dbSNP rs727505245, ClinGen allele CA185520.
Genomic context (GRCh38, chr5:146,339,619, plus strand): 5'-TATATTTGGAAGCTTTGATGAGAGCCTGCTGGCACGCGCCGAAGCTCTGGCGGCGGTGGA[T>C]ATCGTCTCCCACGGCAAGAACCATCCGTTCAAGCCCGACGCCACCTACCATACCATGAGC-3'
Protein context (NP_002691.1, residues 54-74): LARAEALAAV[Asp64=]IVSHGKNHPF